The following is an entry in ClinVar:

NM_001330078.2(NRXN1):c.2075G>A (p.Arg692Lys)

Gene: NRXN1 (neurexin 1; minus strand). Cytogenetic location: 2p16.3.
Variant type: single nucleotide variant.
Coding change: c.2075G>A on transcript NM_001330078.2 (MANE Select); coding-DNA position 2075, G replaced by A.
Protein change: p.Arg692Lys; replaces arginine 692 with lysine.
Molecular consequence: missense variant.
Genome position (GRCh38, 1-based): chr2:50,538,321, C>T on the plus strand (G>A on the coding strand, the complement: NRXN1 is on the minus strand). VCF-style: chr2-50538321-C-T. GRCh37 (hg19) VCF-style: chr2-50765459-C-T.
Other names: c.2195G>A, p.Arg732Lys (NM_001135659.3); c.2051G>A, p.Arg684Lys (NM_001330077.2, NM_001330082.2, NM_001330095.2); c.2036G>A, p.Arg679Lys (NM_001330083.2, NM_001330084.2); c.2075G>A, p.Arg692Lys (NM_001330085.2, NM_001330086.2, NM_004801.6); c.1991G>A, p.Arg664Lys (NM_001330087.2, NM_001330096.2); c.2021G>A, p.Arg674Lys (NM_001330088.2); c.2072G>A, p.Arg691Lys (NM_001330093.2); c.2063G>A, p.Arg688Lys (NM_001330094.2); short protein forms R732K, R691K, R692K, R674K, R679K, R664K, R684K, R688K.
Identifiers: ClinVar variation 211689 (VCV000211689.15), dbSNP rs797045796, ClinGen allele CA209677.

ClinVar aggregate classification (germline): Uncertain significance. Review status: criteria provided, multiple submitters, no conflicts (2 of 4 stars). 3 submissions from 3 submitters: Uncertain significance (3). Last evaluated 2025-09-08.

Conditions:
Pitt-Hopkins-like syndrome 2 (PTHSL2). Identifiers: Orphanet 221150, Orphanet 600663, MedGen C3280479, MONDO:0013690, OMIM 614325.
Inborn genetic diseases. Identifiers: MedGen C0950123, MeSH D030342.

Allele frequency attached by ClinVar (database versions not stated): gnomAD exomes below 0.00001; gnomAD 0.00001; TOPMed 0.00003.
gnomAD v4.1: 3 of 1,613,876 alleles (0.00019%); highest among the groups gnomAD compares: Admixed American, 0.0033%; no homozygotes.

Submissions (3):

Ambry Genetics
Classification: Uncertain significance for Inborn genetic diseases. Last evaluated: 2025-09-08. Review status: criteria provided, single submitter. Criteria: Ambry Variant Classification Scheme 2023. Collection method: clinical testing. Allele origin: germline.

Labcorp Genetics (formerly Invitae), Labcorp
Classification: Uncertain significance for Pitt-Hopkins-like syndrome 2. Last evaluated: 2023-05-30. Review status: criteria provided, single submitter. Criteria: Invitae Variant Classification Sherloc (09022015). Collection method: clinical testing. Allele origin: germline.
Comment: ClinVar contains an entry for this variant (Variation ID: 211689). In summary, the available evidence is currently insufficient to determine the role of this variant in disease. Therefore, it has been classified as a Variant of Uncertain Significance. An algorithm developed to predict the effect of missense changes on protein structure and function (PolyPhen-2) suggests that this variant is likely to be tolerated. This variant has not been reported in the literature in individuals affected with NRXN1-related conditions. This variant is not present in population databases (gnomAD no frequency). This sequence change replaces arginine, which is basic and polar, with lysine, which is basic and polar, at codon 732 of the NRXN1 protein (p.Arg732Lys).

Genetic Services Laboratory, University of Chicago
Classification: Uncertain significance. Last evaluated: 2014-07-17. Review status: criteria provided, single submitter. Criteria: ACMG Guidelines, 2015. Collection method: clinical testing. Allele origin: germline.